The following is an entry in ClinVar:

NM_002485.5(NBN):c.1481A>T (p.Gln494Leu)

Gene: NBN (nibrin; minus strand). Cytogenetic location: 8q21.3.
Variant type: single nucleotide variant.
Coding change: c.1481A>T on transcript NM_002485.5 (MANE Select); coding-DNA position 1481, A replaced by T.
Protein change: p.Gln494Leu; replaces glutamine 494 with leucine.
Molecular consequence: missense variant.
Genome position (GRCh38, 1-based): chr8:89,953,608, T>A on the plus strand (A>T on the coding strand, the complement: NBN is on the minus strand). VCF-style: chr8-89953608-T-A. GRCh37 (hg19) VCF-style: chr8-90965836-T-A.
Other names: c.1235A>T, p.Gln412Leu (NM_001024688.3); short protein forms Q412L, Q494L.
Identifiers: ClinVar variation 2676948 (VCV002676948.2), dbSNP rs1381248118, ClinGen allele CA371655764.

ClinVar aggregate classification (germline): Uncertain significance. Review status: criteria provided, multiple submitters, no conflicts (2 of 4 stars). 2 submissions from 2 submitters: Uncertain significance (2). Last evaluated 2026-07-06.

Conditions:
Aplastic anemia. Identifiers: Orphanet 182040, Orphanet 88, MedGen C0002874, MONDO:0015909, OMIM 609135, HP:0001915.
Hereditary cancer-predisposing syndrome. Also called: Hereditary neoplastic syndrome; Hereditary Cancer Syndrome; Neoplastic Syndromes, Hereditary; Tumor predisposition. Identifiers: Orphanet 140162, MedGen C0027672, MeSH D009386, MONDO:0015356.

Submissions (2):

Ambry Genetics
Classification: Uncertain significance for Hereditary cancer-predisposing syndrome. Last evaluated: 2026-07-06. Review status: criteria provided, single submitter. Criteria: Ambry Variant Classification Scheme 2023. Collection method: clinical testing. Allele origin: germline.
Comment: The p.Q494L variant (also known as c.1481A>T), located in coding exon 11 of the NBN gene, results from an A to T substitution at nucleotide position 1481. The glutamine at codon 494 is replaced by leucine, an amino acid with dissimilar properties. This amino acid position is conserved. In addition, this alteration is predicted to be tolerated by in silico analysis. Based on the available evidence, the clinical significance of this variant remains unclear.

Baylor Genetics
Classification: Uncertain significance for Aplastic anemia. Last evaluated: 2023-05-12. Review status: criteria provided, single submitter. Criteria: ACMG Guidelines, 2015. Collection method: clinical testing. Allele origin: unknown.